The following is an entry in ClinVar:

ClinVar aggregate classification (germline): Pathogenic (1 of 4 stars; one submission).

Submission:

Labcorp Genetics (formerly Invitae), Labcorp
Classification: Pathogenic. Last evaluated: 2021-04-02. Review status: criteria provided, single submitter. Criteria: Invitae Variant Classification Sherloc (09022015). Collection method: clinical testing. Allele origin: germline.
Comment: For these reasons, this variant has been classified as Pathogenic. Algorithms developed to predict the effect of sequence changes on RNA splicing suggest that this variant may create or strengthen a splice site, but this prediction has not been confirmed by published transcriptional studies. This variant has not been reported in the literature in individuals with RELA-related conditions. This variant is not present in population databases (ExAC no frequency). This sequence change creates a premature translational stop signal (p.Glu285*) in the RELA gene. It is expected to result in an absent or disrupted protein product. Loss-of-function variants in RELA are known to be pathogenic (PMID: 28600438).

Literature cited by the submitters: PubMed 28600438.

NM_021975.4(RELA):c.853G>T (p.Glu285Ter)

Gene: RELA (RELA proto-oncogene, NF-kB subunit; minus strand). Cytogenetic location: 11q13.1.
Variant type: single nucleotide variant.
Coding change: c.853G>T on transcript NM_021975.4 (MANE Select); coding-DNA position 853, G replaced by T.
Protein change: p.Glu285Ter; replaces glutamic acid 285 with a stop codon.
Molecular consequence: nonsense.
Genome position (GRCh38, 1-based): chr11:65,658,311, C>A on the plus strand (G>T on the coding strand, the complement: RELA is on the minus strand). VCF-style: chr11-65658311-C-A. GRCh37 (hg19) VCF-style: chr11-65425782-C-A.
Other names: c.844G>T, p.Glu282Ter (NM_001145138.2); c.853G>T, p.Glu285Ter (NM_001243984.2, NM_001243985.2); short protein forms E282*, E285*.
Identifiers: ClinVar variation 1458783 (VCV001458783.6), dbSNP rs929817187, ClinGen allele CA381390612.
Genomic context (GRCh38, chr11:65,658,311, plus strand): 5'-CCCAGCTGCCCTGATGCTGCCACCCCAGCTGTGTACCTGTATCTGGCAGGTACTGGAATT[C>A]CATGGGCTCACTGAGCTCCCGGTCGGAAGGCCGCCGCAGCTGCATGGAGACACGCACAGG-3'